The following is an entry in ClinVar:

ClinVar aggregate classification (germline): Uncertain significance. Review status: criteria provided, multiple submitters, no conflicts (2 of 4 stars). 3 submissions from 3 submitters: Uncertain significance (3). Last evaluated 2026-01-15.

Conditions:
Inborn genetic diseases. Identifiers: MedGen C0950123, MeSH D030342.
Polycystic liver disease 1 (PCLD1). Also called: Polycystic liver disease 1 with or without kidney cysts. Identifiers: Orphanet 2924, MedGen C0887850, MONDO:0008265, OMIM 174050.

Allele frequency attached by ClinVar (database versions not stated): gnomAD 0.00001; TOPMed 0.00001; gnomAD exomes below 0.00001.
gnomAD v4.1: 8 of 1,572,052 alleles (0.00051%); highest among the groups gnomAD compares: Admixed American, 0.0019%; no homozygotes.

Submissions (3):

Labcorp Genetics (formerly Invitae), Labcorp
Classification: Uncertain significance. Last evaluated: 2026-01-15. Review status: criteria provided, single submitter. Criteria: Invitae Variant Classification Sherloc (09022015). Collection method: clinical testing. Allele origin: germline.
Comment: This sequence change replaces aspartic acid, which is acidic and polar, with asparagine, which is neutral and polar, at codon 368 of the PRKCSH protein (p.Asp368Asn). The frequency data for this variant in the population databases is considered unreliable, as metrics indicate poor data quality at this position in the gnomAD database. This variant has not been reported in the literature in individuals affected with PRKCSH-related conditions. ClinVar contains an entry for this variant (Variation ID: 2740678). An algorithm developed to predict the effect of missense changes on protein structure and function outputs the following: PolyPhen-2: "Benign". The asparagine amino acid residue is found in multiple mammalian species, which suggests that this missense change does not adversely affect protein function. In summary, the available evidence is currently insufficient to determine the role of this variant in disease. Therefore, it has been classified as a Variant of Uncertain Significance.

Ambry Genetics
Classification: Uncertain significance for Inborn genetic diseases. Last evaluated: 2025-02-26. Review status: criteria provided, single submitter. Criteria: Ambry Variant Classification Scheme 2023. Collection method: clinical testing. Allele origin: germline.

Fulgent Genetics
Classification: Uncertain significance for Polycystic liver disease 1. Last evaluated: 2024-02-02. Review status: criteria provided, single submitter. Criteria: ACMG Guidelines, 2015. Collection method: clinical testing. Allele origin: germline.

NM_001289104.2(PRKCSH):c.1123G>A (p.Asp375Asn)

Gene: PRKCSH (PRKCSH beta subunit of glucosidase II; plus strand). Cytogenetic location: 19p13.2.
Variant type: single nucleotide variant.
Coding change: c.1123G>A on transcript NM_001289104.2 (MANE Select); coding-DNA position 1123, G replaced by A.
Protein change: p.Asp375Asn; replaces aspartic acid 375 with asparagine.
Molecular consequence: missense variant.
Genome position (GRCh38, 1-based): chr19:11,447,786, G>A. VCF-style: chr19-11447786-G-A. GRCh37 (hg19) VCF-style: chr19-11558601-G-A.
Other names: c.1093G>A, p.Asp365Asn (NM_001001329.3, NM_001289102.2, NM_001379609.1); c.1123G>A, p.Asp375Asn (NM_001289103.2); c.1102G>A, p.Asp368Asn (NM_001379608.1, NM_002743.3); c.1102G>A (NM_002743.2); short protein forms D365N, D375N, D368N.
Identifiers: ClinVar variation 2740678 (VCV002740678.5), dbSNP rs754967274, ClinGen allele CA9213153.